The following is an entry in ClinVar:

ClinVar aggregate classification (germline): Conflicting classifications of pathogenicity. Review status: criteria provided, conflicting classifications (1 of 4 stars). 2 submissions from 2 submitters: Uncertain significance (1); Likely benign (1). Last evaluated 2023-03-23.

Conditions:
Hereditary cancer-predisposing syndrome. Also called: Neoplastic Syndromes, Hereditary; Tumor predisposition; Hereditary Cancer Syndrome; Hereditary neoplastic syndrome. Identifiers: Orphanet 140162, MedGen C0027672, MeSH D009386, MONDO:0015356.

Submissions (2):

University of Washington Department of Laboratory Medicine, University of Washington
Classification: Likely benign for Hereditary cancer-predisposing syndrome. Last evaluated: 2023-03-23. Review status: criteria provided, single submitter. Criteria: Dines et al. (Genet Med. 2020). Collection method: curation. Allele origin: germline.
Comment: Missense variant in a coldspot region where missense variants are very unlikely to be pathogenic (PMID:31911673).

BRCA2 exon 11 coldspot. Reclassification based on statistical prior probability.

Ambry Genetics
Classification: Uncertain significance for Hereditary cancer-predisposing syndrome. Last evaluated: 2021-10-19. Review status: criteria provided, single submitter. Criteria: Ambry Variant Classification Scheme 2023. Collection method: clinical testing. Allele origin: germline.
Comment: The p.Q1089R variant (also known as c.3266A>G), located in coding exon 10 of the BRCA2 gene, results from an A to G substitution at nucleotide position 3266. The glutamine at codon 1089 is replaced by arginine, an amino acid with highly similar properties. This amino acid position is not well conserved in available vertebrate species. In addition, this alteration is predicted to be tolerated by in silico analysis. Since supporting evidence is limited at this time, the clinical significance of this alteration remains unclear.

NM_000059.4(BRCA2):c.3266A>G (p.Gln1089Arg)

Gene: BRCA2 (BRCA2 DNA repair associated; plus strand). Cytogenetic location: 13q13.1.
Variant type: single nucleotide variant.
Coding change: c.3266A>G on transcript NM_000059.4 (MANE Select); coding-DNA position 3266, A replaced by G.
Protein change: p.Gln1089Arg; replaces glutamine 1089 with arginine.
Molecular consequence: missense variant.
Genome position (GRCh38, 1-based): chr13:32,337,621, A>G. VCF-style: chr13-32337621-A-G. GRCh37 (hg19) VCF-style: chr13-32911758-A-G.
Other names: c.3266A>G, p.Gln1089Arg (NM_001406719.1, NM_001406720.1); short protein forms Q1089R.
Identifiers: ClinVar variation 1729576 (VCV001729576.4), dbSNP rs2137494897, ClinGen allele CA387776032.
Genomic context (GRCh38, chr13:32,337,621, plus strand): 5'-CTGCACATTTACAGAGTAGTGTAGTTGTTTCTGATTGTAAAAATAGTCATATAACCCCTC[A>G]GATGTTATTTTCCAAGCAGGATTTTAATTCAAACCATAATTTAACACCTAGCCAAAAGGC-3'
Protein context (NP_000050.3, residues 1079-1099): SDCKNSHITP[Gln1089Arg]MLFSKQDFNS